The following is an entry in ClinVar:

ClinVar aggregate classification (germline): Uncertain significance (1 of 4 stars; one submission).

Submission:

GeneDx
Classification: Uncertain significance. Last evaluated: 2024-11-18. Review status: criteria provided, single submitter. Criteria: GeneDx Variant Classification Process June 2021. Collection method: clinical testing. Allele origin: germline. Affected: yes.
Comment: Not observed at significant frequency in large population cohorts (gnomAD); In-frame deletion of 1 amino acid in a non-repeat region; In silico analysis indicates that this variant does not alter protein structure/function; Has not been previously published as pathogenic or benign to our knowledge

NM_001374353.1(GLI2):c.3736_3738del (p.Leu1246del)

Gene: GLI2 (GLI family zinc finger 2; plus strand). Cytogenetic location: 2q14.2.
Variant type: Deletion.
Coding change: c.3736_3738del on transcript NM_001374353.1 (MANE Select); coding-DNA positions 3736 to 3738, 3 bases deleted (CTC; older notation c.3736_3738delCTC).
Protein change: p.Leu1246del; deletes leucine 1246.
Molecular consequence: inframe deletion.
Genome position (GRCh38, 1-based): chr2:120,989,701-120,989,703, CTC deleted; deleting any 3 consecutive bases within chr2:120,989,700-120,989,703 gives the same sequence; the c. name uses the placement nearest the transcript's 3' end. VCF-style (leftmost placement, unchanged base first): chr2-120989699-CCCT-C. GRCh37 (hg19) VCF-style: chr2-121747275-CCCT-C.
Other names: c.3787_3789del, p.Leu1263del (NM_001371271.1, NM_005270.5); c.3361_3363del, p.Leu1121del (NM_001374354.1); short protein forms L1121del, L1246del, L1263del.
Identifiers: ClinVar variation 3899721 (VCV003899721.1).
Genomic context (GRCh38, chr2:120,989,699, plus strand): 5'-GCCCCCATGCCTGCTATGGCCAAGTCCACCCCCAGCTGAGCCCCAGCACCATCAGTGGGG[CCCT>C]CAACCAGTTCCCCCAATCCTGCAGCAACATGCCAGCCAAGCCAGGGCATCTGGGGCACCC-3'